The following is an entry in ClinVar:

ClinVar aggregate classification (germline): Conflicting classifications of pathogenicity. Review status: criteria provided, conflicting classifications (1 of 4 stars). 5 submissions from 5 submitters: Uncertain significance (1); Likely benign (4). Last evaluated 2026-05-22.

Conditions:
DEPDC5-related disorder. Also called: DEPDC5-related related disorder; DEPDC5-related condition.
Inborn genetic diseases. Identifiers: MedGen C0950123, MeSH D030342.
Familial focal epilepsy with variable foci (FPEVF). Identifiers: Orphanet 98820, MedGen C1858477, MONDO:0020310.

Allele frequency attached by ClinVar (database versions not stated): TOPMed 0.00003; gnomAD 0.00004.
gnomAD v4.1: 83 of 1,613,086 alleles (0.0051%); highest among the groups gnomAD compares: Middle Eastern, 0.016%; no homozygotes.

Submissions (5):

PreventionGenetics, part of Exact Sciences
Classification: Likely benign for DEPDC5-related condition. Last evaluated: 2026-05-22. Review status: criteria provided, single submitter. Criteria: ACMG Guidelines, 2015. Collection method: clinical testing. Allele origin: germline.
Comment: This variant is classified as likely benign based on ACMG/AMP sequence variant interpretation guidelines (Richards et al. 2015 PMID: 25741868, with internal and published modifications).

Labcorp Genetics (formerly Invitae), Labcorp
Classification: Likely benign for Familial focal epilepsy with variable foci. Last evaluated: 2025-06-15. Review status: criteria provided, single submitter. Criteria: Invitae Variant Classification Sherloc (09022015). Collection method: clinical testing. Allele origin: germline.

Blueprint Genetics
Classification: Likely benign. Last evaluated: 2023-09-29. Review status: criteria provided, single submitter. Criteria: ACMG Guidelines, 2015. Collection method: clinical testing. Allele origin: germline.

Ambry Genetics
Classification: Likely benign for Inborn genetic diseases. Last evaluated: 2019-05-19. Review status: criteria provided, single submitter. Criteria: Ambry Variant Classification Scheme 2023. Collection method: clinical testing. Allele origin: germline.

CeGaT Center for Human Genetics Tuebingen
Classification: Uncertain significance. Last evaluated: 2016-08-01. Review status: criteria provided, single submitter. Criteria: CeGaT Center For Human Genetics Tuebingen Variant Classification Criteria Version 2. Collection method: clinical testing. Allele origin: germline. Affected: yes. Observed: 1 variant allele.

NM_001242896.3(DEPDC5):c.501G>A (p.Thr167=)

Gene: DEPDC5 (DEP domain containing 5, GATOR1 subcomplex subunit; plus strand). Cytogenetic location: 22q12.2.
Variant type: single nucleotide variant.
Coding change: c.501G>A on transcript NM_001242896.3 (MANE Select); coding-DNA position 501, G replaced by A.
Protein change: p.Thr167=; no amino-acid change (threonine 167 retained).
Molecular consequence: synonymous variant. On other transcripts: non-coding transcript variant (5).
Genome position (GRCh38, 1-based): chr22:31,783,924, G>A. VCF-style: chr22-31783924-G-A. GRCh37 (hg19) VCF-style: chr22-32179910-G-A.
Other names: c.501G>A, p.Thr167= (NM_001007188.4, NM_001136029.4, NM_001242897.2 and 7 more transcripts); c.417G>A, p.Thr139= (NM_001369901.1, NM_001369902.1).
Identifiers: ClinVar variation 374454 (VCV000374454.55), dbSNP rs766360619, ClinGen allele CA10196003.